The following is an entry in ClinVar:

NM_014908.4(DOLK):c.1089C>A (p.Ala363=)

Gene: DOLK (dolichol kinase; minus strand). Cytogenetic location: 9q34.11.
Variant type: single nucleotide variant.
Coding change: c.1089C>A on transcript NM_014908.4 (MANE Select); coding-DNA position 1089, C replaced by A.
Protein change: p.Ala363=; no amino-acid change (alanine 363 retained).
Molecular consequence: synonymous variant.
Genome position (GRCh38, 1-based): chr9:128,946,215, G>T on the plus strand (C>A on the coding strand, the complement: DOLK is on the minus strand). VCF-style: chr9-128946215-G-T. GRCh37 (hg19) VCF-style: chr9-131708494-G-T.
Identifiers: ClinVar variation 2131518 (VCV002131518.4), dbSNP rs2492003619, ClinGen allele CA467490004.

ClinVar aggregate classification (germline): Uncertain significance (1 of 4 stars; one submission).

Conditions:
DK1-congenital disorder of glycosylation. Also called: CDG Im; DK1 DEFICIENCY; DOLICHOL KINASE DEFICIENCY; DOLK-congenital disorder of glycosylation; Carbohydrate deficient glycoprotein syndrome type 1m; CONGENITAL DISORDER OF GLYCOSYLATION, TYPE Im. Identifiers: Orphanet 91131, MedGen C1835849, MONDO:0012556, OMIM 610768.

Submission:

Labcorp Genetics (formerly Invitae), Labcorp
Classification: Uncertain significance for DK1-congenital disorder of glycosylation. Last evaluated: 2022-04-28. Review status: criteria provided, single submitter. Criteria: Invitae Variant Classification Sherloc (09022015). Collection method: clinical testing. Allele origin: germline.
Comment: This sequence change affects codon 363 of the DOLK mRNA. It is a 'silent' change, meaning that it does not change the encoded amino acid sequence of the DOLK protein. This variant is not present in population databases (gnomAD no frequency). This variant has not been reported in the literature in individuals affected with DOLK-related conditions. In summary, the available evidence is currently insufficient to determine the role of this variant in disease. Therefore, it has been classified as a Variant of Uncertain Significance.